The following is an entry in ClinVar:

Conditions:
Breast-ovarian cancer, familial, susceptibility to, 1 (BROVCA1). Also called: BRCA1 Hereditary Breast and Ovarian Cancer; OVARIAN CANCER, SUSCEPTIBILITY TO. Identifiers: Orphanet 145, MedGen C2676676, MONDO:0011450, OMIM 604370. Disease mechanism: loss of function.

Submission:

Brotman Baty Institute, University of Washington
No classification provided (evidence only). Condition: Breast-ovarian cancer, familial 1. Review status: no classification provided. Collection method: in vitro. Allele origin: not applicable. Functional consequence: functionally_normal.
ClinVar note: "not provided" was previously submitted as the classification for the variant. However, the classification appeared to be based only on an observation of functional data so it was converted to no classification on 2025-07-30.

NM_007294.4(BRCA1):c.5551G>C (p.Asp1851His)

Gene: BRCA1 (BRCA1 DNA repair associated; minus strand). Cytogenetic location: 17q21.31.
Variant type: single nucleotide variant.
Coding change: c.5551G>C on transcript NM_007294.4 (MANE Select); coding-DNA position 5551, G replaced by C.
Protein change: p.Asp1851His; replaces aspartic acid 1851 with histidine.
Molecular consequence: missense variant. On other transcripts: 3 prime UTR variant (1), non-coding transcript variant (1).
Genome position (GRCh38, 1-based): chr17:43,045,719, C>G on the plus strand (G>C on the coding strand, the complement: BRCA1 is on the minus strand). VCF-style: chr17-43045719-C-G. GRCh37 (hg19) VCF-style: chr17-41197736-C-G.
Other names: c.5338G>C, p.Asp1780His (NM_001407571.1, NM_001407906.1, NM_001407907.1 and 12 more transcripts); c.5617G>C, p.Asp1873His (NM_001407581.1, NM_001407582.1); c.5614G>C, p.Asp1872His (NM_001407583.1, NM_001407585.1, NM_001407587.1 and 1 more transcripts); c.5611G>C, p.Asp1871His (NM_001407590.1, NM_001407591.1); c.5551G>C, p.Asp1851His (NM_001407593.1, NM_001407594.1, NM_001407596.1 and 5 more transcripts); c.5548G>C, p.Asp1850His (NM_001407610.1, NM_001407611.1, NM_001407612.1 and 14 more transcripts); c.5545G>C, p.Asp1849His (NM_001407631.1, NM_001407632.1, NM_001407633.1 and 13 more transcripts); c.5473G>C, p.Asp1825His (NM_001407653.1, NM_001407654.1, NM_001407655.1 and 1 more transcripts); and 74 more; short protein forms D747H, D1872H, D1851H, D1804H, D1554H, D1724H, D1738H, D1739H.
Identifiers: ClinVar variation 868656 (VCV000868656.3), dbSNP rs2050862880, ClinGen allele CA10590219.